The following is an entry in ClinVar:

ClinVar aggregate classification (germline): Uncertain significance. Review status: criteria provided, multiple submitters, no conflicts (2 of 4 stars). 3 submissions from 3 submitters: Uncertain significance (3). Last evaluated 2022-02-16.

Conditions:
Methylmalonic aciduria due to methylmalonyl-CoA mutase deficiency (MAMM). Also called: Methylmalonic aciduria, mut type. Identifiers: Orphanet 27, MedGen C1855114, MONDO:0009612, OMIM 251000.

Allele frequency attached by ClinVar (database versions not stated): gnomAD 0.00005 and 0.00006; ExAC 0.00007; ESP Exome Variant Server 0.00008; TOPMed 0.00009; 1000 Genomes Project 0.00060; 1000 Genomes Project 30x 0.00062.
gnomAD v4.1: 60 of 1,613,410 alleles (0.0037%); highest among the groups gnomAD compares: African/African-American, 0.017%; no homozygotes.

Submissions (3):

Fulgent Genetics
Classification: Uncertain significance for Methylmalonic aciduria due to methylmalonyl-CoA mutase deficiency. Last evaluated: 2022-02-16. Review status: criteria provided, single submitter. Criteria: ACMG Guidelines, 2015. Collection method: clinical testing. Allele origin: unknown.

Labcorp Genetics (formerly Invitae), Labcorp
Classification: Uncertain significance. Last evaluated: 2022-01-02. Review status: criteria provided, single submitter. Criteria: Invitae Variant Classification Sherloc (09022015). Collection method: clinical testing. Allele origin: germline.
Comment: This sequence change replaces glycine, which is neutral and non-polar, with arginine, which is basic and polar, at codon 544 of the MUT protein (p.Gly544Arg). This variant is present in population databases (rs78150750, gnomAD 0.01%). This variant has not been reported in the literature in individuals affected with MUT-related conditions. ClinVar contains an entry for this variant (Variation ID: 910560). Algorithms developed to predict the effect of missense changes on protein structure and function (SIFT, PolyPhen-2, Align-GVGD) all suggest that this variant is likely to be tolerated. Algorithms developed to predict the effect of sequence changes on RNA splicing suggest that this variant may create or strengthen a splice site. In summary, the available evidence is currently insufficient to determine the role of this variant in disease. Therefore, it has been classified as a Variant of Uncertain Significance.

Illumina Laboratory Services, Illumina
Classification: Uncertain significance for Methylmalonic aciduria due to methylmalonyl-CoA mutase deficiency. Last evaluated: 2017-04-28. Review status: criteria provided, single submitter. Criteria: ICSL Variant Classification Criteria 13 December 2019. Collection method: clinical testing. Allele origin: germline.

NM_000255.4(MMUT):c.1630G>A (p.Gly544Arg)

Gene: MMUT (methylmalonyl-CoA mutase; minus strand). Cytogenetic location: 6p12.3.
Variant type: single nucleotide variant.
Coding change: c.1630G>A on transcript NM_000255.4 (MANE Select); coding-DNA position 1630, G replaced by A.
Protein change: p.Gly544Arg; replaces glycine 544 with arginine.
Molecular consequence: missense variant.
Genome position (GRCh38, 1-based): chr6:49,444,685, C>T on the plus strand (G>A on the coding strand, the complement: MMUT is on the minus strand). VCF-style: chr6-49444685-C-T. GRCh37 (hg19) VCF-style: chr6-49412398-C-T.
Other names: short protein forms G544R.
Identifiers: ClinVar variation 910560 (VCV000910560.6), dbSNP rs78150750, ClinGen allele CA3846800.
Genomic context (GRCh38, chr6:49,444,685, plus strand): 5'-TTATATATCTTCACCTTGCCCGAGATGCATCCACTGCAAGAGCCAGGATATTTCCATCTC[C>T]GCTAGCAGCACATTCGGTTAGTGCAGCAAGACAACGTTCAGCCAAAGCTTGATCCCTGCT-3'
Protein context (NP_000246.2, residues 534-554): LAALTECAAS[Gly544Arg]DGNILALAVD